The following is an entry in ClinVar:

NM_001105206.3(LAMA4):c.673G>T (p.Ala225Ser)

Gene: LAMA4 (laminin subunit alpha 4; minus strand). Cytogenetic location: 6q21.
Variant type: single nucleotide variant.
Coding change: c.673G>T on transcript NM_001105206.3 (MANE Select); coding-DNA position 673, G replaced by T.
Protein change: p.Ala225Ser; replaces alanine 225 with serine.
Molecular consequence: missense variant.
Genome position (GRCh38, 1-based): chr6:112,191,681, C>A on the plus strand (G>T on the coding strand, the complement: LAMA4 is on the minus strand). VCF-style: chr6-112191681-C-A. GRCh37 (hg19) VCF-style: chr6-112512883-C-A.
Other names: c.673G>T, p.Ala225Ser (NM_001105207.3, NM_002290.5); short protein forms A225S.
Identifiers: ClinVar variation 5023459 (VCV005023459.1).

ClinVar aggregate classification (germline): Uncertain significance (1 of 4 stars; one submission).

Conditions:
Cardiovascular phenotype. Identifiers: MedGen CN230736.

Submission:

Ambry Genetics
Classification: Uncertain significance for Cardiovascular phenotype. Last evaluated: 2026-06-22. Review status: criteria provided, single submitter. Criteria: Ambry Variant Classification Scheme 2023. Collection method: clinical testing. Allele origin: germline.
Comment: The p.A225S variant (also known as c.673G>T), located in coding exon 5 of the LAMA4 gene, results from a G to T substitution at nucleotide position 673. The alanine at codon 225 is replaced by serine, an amino acid with similar properties. This amino acid position is conserved. In addition, the in silico prediction for this alteration is inconclusive. Based on the available evidence, the clinical significance of this variant remains unclear.